The following is an entry in ClinVar:

ClinVar aggregate classification (germline): Likely pathogenic. Review status: criteria provided, multiple submitters, no conflicts (2 of 4 stars). 3 submissions from 3 submitters: Likely pathogenic (3). Last evaluated 2025-12-31.

Conditions:
LMX1B-related disorder. Also called: LMX1B-related condition.
Nail-patella syndrome (NPS). Also called: FONG DISEASE; ONYCHOOSTEODYSPLASIA; TURNER-KIESER SYNDROME. Identifiers: Orphanet 2614, MedGen C0027341, MONDO:0008061, OMIM 161200.
Nail-patella-like renal disease. Also called: GLOMERULAR BASEMENT MEMBRANE DISEASE, NAIL-PATELLA SYNDROME TYPE; Focal Segmental Glomerulosclerosis 10. Identifiers: Orphanet 2613, MedGen C0403548, MONDO:0009724, OMIM 256020.

Submissions (3):

PreventionGenetics, part of Exact Sciences
Classification: Likely pathogenic for LMX1B-related condition. Last evaluated: 2025-12-31. Review status: criteria provided, single submitter. Criteria: ACMG Guidelines, 2015. Collection method: clinical testing. Allele origin: germline.
Comment: The LMX1B c.745C>G variant is predicted to result in the amino acid substitution p.Arg249Gly. This variant has been reported in an individual with Nail patella syndrome (Dunston et al. 2004. PubMed ID: 15498463) and has been reported in an individual with congenital vertical talus (CVT) (Tayebi et al. 2022. PubMed ID: 35487415). This variant has not been reported in a large population database (gnomAD), indicating this variant is rare. This variant is interpreted as likely pathogenic in ClinVar (Variation ID: 666319). This variant is interpreted as likely pathogenic.

Fulgent Genetics
Classification: Likely pathogenic for Nail-patella syndrome; Nail-patella-like renal disease. Last evaluated: 2024-02-28. Review status: criteria provided, single submitter. Criteria: ACMG Guidelines, 2015. Collection method: clinical testing. Allele origin: germline.

Equipe Genetique des Anomalies du Developpement, Université de Bourgogne
Classification: Likely pathogenic for Nail-patella syndrome. Last evaluated: 2014-01-01. Review status: criteria provided, single submitter. Criteria: ACMG Guidelines, 2007. Collection method: clinical testing. Allele origin: inherited. Affected: yes.

NM_001174147.2(LMX1B):c.745C>G (p.Arg249Gly)

Gene: LMX1B (LIM homeobox transcription factor 1 beta; plus strand). Cytogenetic location: 9q33.3.
Variant type: single nucleotide variant.
Coding change: c.745C>G on transcript NM_001174147.2 (MANE Select); coding-DNA position 745, C replaced by G.
Protein change: p.Arg249Gly; replaces arginine 249 with glycine.
Molecular consequence: missense variant.
Genome position (GRCh38, 1-based): chr9:126,693,527, C>G. VCF-style: chr9-126693527-C-G. GRCh37 (hg19) VCF-style: chr9-129455806-C-G.
Other names: c.745C>G, p.Arg249Gly (NM_001174146.2, NM_002316.4); c.745C>G (NM_002316.3); short protein forms R249G.
Identifiers: ClinVar variation 666319 (VCV000666319.3), dbSNP rs121909492, ClinGen allele CA374913769.